The following is an entry in ClinVar:

NM_001271938.2(MEGF8):c.7809G>T (p.Glu2603Asp)

Gene: MEGF8 (multiple EGF like domains 8; plus strand). Cytogenetic location: 19q13.2.
Variant type: single nucleotide variant.
Coding change: c.7809G>T on transcript NM_001271938.2 (MANE Select); coding-DNA position 7809, G replaced by T.
Protein change: p.Glu2603Asp; replaces glutamic acid 2603 with aspartic acid.
Molecular consequence: missense variant.
Genome position (GRCh38, 1-based): chr19:42,376,046, G>T. VCF-style: chr19-42376046-G-T. GRCh37 (hg19) VCF-style: chr19-42880198-G-T.
Other names: c.7608G>T, p.Glu2536Asp (NM_001410.3); short protein forms E2603D, E2536D.
Identifiers: ClinVar variation 647652 (VCV000647652.8), dbSNP rs768902189, ClinGen allele CA9476269.

ClinVar aggregate classification (germline): Uncertain significance (1 of 4 stars; one submission).

Conditions:
MEGF8-related Carpenter syndrome. Also called: Carpenter syndrome 2. Identifiers: Orphanet 65759, MedGen C3554247, MONDO:0013998, OMIM 614976.

Allele frequency attached by ClinVar (database versions not stated): TOPMed below 0.00001; gnomAD exomes 0.00001 and 0.00002; ExAC 0.00003.
gnomAD v4.1: 13 of 1,604,274 alleles (0.00081%); highest among the groups gnomAD compares: South Asian, 0.014%; 1 homozygote.

Submission:

Labcorp Genetics (formerly Invitae), Labcorp
Classification: Uncertain significance for MEGF8-related Carpenter syndrome. Last evaluated: 2018-11-06. Review status: criteria provided, single submitter. Criteria: Invitae Variant Classification Sherloc (09022015). Collection method: clinical testing. Allele origin: germline.
Comment: In summary, the available evidence is currently insufficient to determine the role of this variant in disease. Therefore, it has been classified as a Variant of Uncertain Significance. Algorithms developed to predict the effect of missense changes on protein structure and function are either unavailable or do not agree on the potential impact of this missense change (SIFT: "Tolerated"; PolyPhen-2: "Possibly Damaging"; Align-GVGD: "Class C0"). This variant has not been reported in the literature in individuals with MEGF8-related disease. This variant is present in population databases (rs768902189, ExAC 0.02%). This sequence change replaces glutamic acid with aspartic acid at codon 2536 of the MEGF8 protein (p.Glu2536Asp). The glutamic acid residue is moderately conserved and there is a small physicochemical difference between glutamic acid and aspartic acid.